The following is an entry in ClinVar:

ClinVar aggregate classification (germline): Conflicting classifications of pathogenicity. Review status: criteria provided, conflicting classifications (1 of 4 stars). 2 submissions from 2 submitters: Likely pathogenic (1); Uncertain significance (1). Last evaluated 2022-10-04.

Conditions:
Landau-Kleffner syndrome (FESD). Also called: APHASIA, ACQUIRED, WITH EPILEPSY; EPILEPSY, FOCAL, WITH SPEECH DISORDER AND WITH OR WITHOUT MENTAL RETARDATION. Identifiers: Orphanet 1945, Orphanet 725, Orphanet 98818, MedGen C0282512, MONDO:0009509, OMIM 245570.
Epilepsy, focal, with speech disorder and with or without impaired intellectual development. Also called: Early-onset epileptic encephalopathy and intellectual disability due to GRIN2A mutation. Identifiers: Orphanet 289266, MedGen C4749281, MONDO:0017325.

Submissions (2):

Genetics Laboratory, UDIAT-Centre Diagnòstic, Hospital Universitari Parc Tauli
Classification: Likely pathogenic for Epilepsy, focal, with speech disorder and with or without impaired intellectual development. Last evaluated: 2022-10-04. Review status: criteria provided, single submitter. Criteria: Parc Tauli Hospital Assertion Criteria 2021. Collection method: clinical testing. Allele origin: de novo. Inheritance: Autosomal dominant inheritance. Affected: yes.
Comment: PS4_moderate;PM6;PM2_supporting;PP3

Labcorp Genetics (formerly Invitae), Labcorp
Classification: Uncertain significance for Landau-Kleffner syndrome. Last evaluated: 2020-03-30. Review status: criteria provided, single submitter. Criteria: Invitae Variant Classification Sherloc (09022015). Collection method: clinical testing. Allele origin: germline.
Comment: In summary, the available evidence is currently insufficient to determine the role of this variant in disease. Therefore, it has been classified as a Variant of Uncertain Significance. Nucleotide substitutions within the consensus splice site are a relatively common cause of aberrant splicing (PMID: 17576681, 9536098). Algorithms developed to predict the effect of sequence changes on RNA splicing suggest that this variant may disrupt the consensus splice site, but this prediction has not been confirmed by published transcriptional studies. This variant has been observed in individual(s) with clinical features of Landau-Kleffner syndrome (Invitae). This variant is not present in population databases (ExAC no frequency). This sequence change falls in intron 7 of the GRIN2A gene. It does not directly change the encoded amino acid sequence of the GRIN2A protein, but it affects a nucleotide within the consensus splice site of the intron.

Literature cited by the submitters: PubMed 17576681 (cited by Labcorp Genetics (formerly Invitae), Labcorp); PubMed 9536098 (cited by Labcorp Genetics (formerly Invitae), Labcorp).

NM_001134407.3(GRIN2A):c.1497+5G>C

Gene: GRIN2A (glutamate ionotropic receptor NMDA type subunit 2A; minus strand). Cytogenetic location: 16p13.2.
Variant type: single nucleotide variant.
Coding change: c.1497+5G>C on transcript NM_001134407.3 (MANE Select); 5 bases into the intron after coding-DNA position 1497, G replaced by C.
Molecular consequence: intron variant.
Genome position (GRCh38, 1-based): chr16:9,840,931, C>G on the plus strand (G>C on the coding strand, the complement: GRIN2A is on the minus strand). VCF-style: chr16-9840931-C-G. GRCh37 (hg19) VCF-style: chr16-9934788-C-G.
Other names: c.1497+5G>C (NM_001134408.2, NM_000833.5).
Identifiers: ClinVar variation 860497 (VCV000860497.9), dbSNP rs2042665872, ClinGen allele CA916083485.